The following is an entry in ClinVar:

ClinVar aggregate classification (germline): Pathogenic (1 of 4 stars; one submission).

Conditions:
Early-infantile DEE. Also called: Early infantile epileptic encephalopathy; Ohtahara syndrome; Early infantile epileptic encephalopathy with suppression bursts. Identifiers: Orphanet 1934, MedGen C0393706, MONDO:0800491.

Submission:

Labcorp Genetics (formerly Invitae), Labcorp
Classification: Pathogenic for Early-infantile DEE. Last evaluated: 2024-02-05. Review status: criteria provided, single submitter. Criteria: Invitae Variant Classification Sherloc (09022015). Collection method: clinical testing. Allele origin: germline.
Comment: This sequence change replaces tryptophan, which is neutral and slightly polar, with cysteine, which is neutral and slightly polar, at codon 873 of the SCN1A protein (p.Trp873Cys). This variant is not present in population databases (gnomAD no frequency). This missense change has been observed in individual(s) with clinical features of SCN1A-related conditions (Invitae). In at least one individual the variant was observed to be de novo. ClinVar contains an entry for this variant (Variation ID: 1454121). Advanced modeling of protein sequence and biophysical properties (such as structural, functional, and spatial information, amino acid conservation, physicochemical variation, residue mobility, and thermodynamic stability) performed at Invitae indicates that this missense variant is expected to disrupt SCN1A protein function with a positive predictive value of 95%. For these reasons, this variant has been classified as Pathogenic.

NM_001165963.4(SCN1A):c.2619G>T (p.Trp873Cys)

Gene: SCN1A (sodium voltage-gated channel alpha subunit 1; minus strand). Cytogenetic location: 2q24.3.
Variant type: single nucleotide variant.
Coding change: c.2619G>T on transcript NM_001165963.4 (MANE Select); coding-DNA position 2619, G replaced by T.
Protein change: p.Trp873Cys; replaces tryptophan 873 with cysteine.
Molecular consequence: missense variant. On other transcripts: non-coding transcript variant (1).
Genome position (GRCh38, 1-based): chr2:166,038,103, C>A on the plus strand (G>T on the coding strand, the complement: SCN1A is on the minus strand). VCF-style: chr2-166038103-C-A. GRCh37 (hg19) VCF-style: chr2-166894613-C-A.
Other names: c.2535G>T, p.Trp845Cys (NM_001165964.3, NM_001353957.2, NM_001353958.2); c.2619G>T, p.Trp873Cys (NM_001202435.3, NM_001353948.2); c.2586G>T, p.Trp862Cys (NM_001353949.2, NM_001353950.2, NM_001353951.2 and 2 more transcripts); c.2583G>T, p.Trp861Cys (NM_001353954.2, NM_001353955.2); c.2532G>T, p.Trp844Cys (NM_001353960.2); c.177G>T, p.Trp59Cys (NM_001353961.2); short protein forms W59C, W845C, W844C, W862C, W873C, W861C.
Identifiers: ClinVar variation 1454121 (VCV001454121.9), dbSNP rs1553541517, ClinGen allele CA349061736.